The following is an entry in ClinVar:

NM_017617.5(NOTCH1):c.1914C>T (p.Cys638=)

Gene: NOTCH1 (notch receptor 1; minus strand). Cytogenetic location: 9q34.3.
Variant type: single nucleotide variant.
Coding change: c.1914C>T on transcript NM_017617.5 (MANE Select); coding-DNA position 1914, C replaced by T.
Protein change: p.Cys638=; no amino-acid change (cysteine 638 retained).
Molecular consequence: synonymous variant.
Genome position (GRCh38, 1-based): chr9:136,515,390, G>A on the plus strand (C>T on the coding strand, the complement: NOTCH1 is on the minus strand). VCF-style: chr9-136515390-G-A. GRCh37 (hg19) VCF-style: chr9-139409842-G-A.
Other names: c.1914C>T, p.Cys638= (LRG_1122t1).
Identifiers: ClinVar variation 264540 (VCV000264540.44), dbSNP rs373068883, ClinGen allele CA5341564.

ClinVar aggregate classification (germline): Likely benign. Review status: criteria provided, multiple submitters, no conflicts (2 of 4 stars). 9 submissions from 8 submitters: Likely benign (9). Last evaluated 2026-08-01.

Conditions:
Adams-Oliver syndrome 5 (AOS5). Identifiers: Orphanet 974, MedGen C4014970, MONDO:0014459, OMIM 616028.
Familial thoracic aortic aneurysm and aortic dissection (TAAD). Also called: Thoracic aortic aneurysms and dissections. Identifiers: Orphanet 91387, MedGen C4707243, MONDO:0019625.
Aortic valve disease 1 (AOVD1). Identifiers: MedGen C3887892, MONDO:0024523, OMIM 109730.

Allele frequency attached by ClinVar (database versions not stated): ExAC 0.00008; ESP Exome Variant Server 0.00008; gnomAD 0.00013 and 0.00014; gnomAD exomes 0.00013 and 0.00019; TOPMed 0.00020.
gnomAD v4.1: 317 of 1,612,916 alleles (0.02%); highest among the groups gnomAD compares: Middle Eastern, 0.066%; no homozygotes.

Submissions (9):

CeGaT Center for Human Genetics Tuebingen
Classification: Likely benign. Last evaluated: 2026-08-01. Review status: criteria provided, single submitter. Criteria: CeGaT Center For Human Genetics Tuebingen Variant Classification Criteria Version 2. Collection method: clinical testing. Allele origin: germline. Affected: yes. Observed: 4 variant alleles.
Comment: NOTCH1: BP4, BP7

Labcorp Genetics (formerly Invitae), Labcorp
Classification: Likely benign for Adams-Oliver syndrome 5. Last evaluated: 2026-01-31. Review status: criteria provided, single submitter. Criteria: Invitae Variant Classification Sherloc (09022015). Collection method: clinical testing. Allele origin: germline.

Blueprint Genetics
Classification: Likely benign. Last evaluated: 2024-11-05. Review status: criteria provided, single submitter. Criteria: ACMG Guidelines, 2015. Collection method: clinical testing. Allele origin: germline.

ARUP Laboratories, Molecular Genetics and Genomics, ARUP Laboratories
Classification: Likely benign. Last evaluated: 2024-08-23. Review status: criteria provided, single submitter. Criteria: ARUP Molecular Germline Variant Investigation Process 2024. Collection method: clinical testing. Allele origin: germline.

Genome-Nilou Lab
Classification: Likely benign for Adams-Oliver syndrome 5. Last evaluated: 2022-03-15. Review status: criteria provided, single submitter. Criteria: ACMG Guidelines, 2015. Collection method: clinical testing. Allele origin: germline. Affected: no.

Genome-Nilou Lab
Classification: Likely benign for Aortic valve disease 1. Last evaluated: 2022-03-15. Review status: criteria provided, single submitter. Criteria: ACMG Guidelines, 2015. Collection method: clinical testing. Allele origin: germline. Affected: no.

CHEO Genetics Diagnostic Laboratory, Children's Hospital of Eastern Ontario
Classification: Likely benign for Familial thoracic aortic aneurysm and aortic dissection. Last evaluated: 2020-01-15. Review status: criteria provided, single submitter. Criteria: ACMG Guidelines, 2015. Collection method: clinical testing. Allele origin: germline.

GeneDx
Classification: Likely benign. Last evaluated: 2017-06-01. Review status: criteria provided, single submitter. Criteria: GeneDx Variant Classification (06012015). Collection method: clinical testing. Allele origin: germline. Affected: yes.
Comment: This variant is considered likely benign or benign based on one or more of the following criteria: it is a conservative change, it occurs at a poorly conserved position in the protein, it is predicted to be benign by multiple in silico algorithms, and/or has population frequency not consistent with disease.

Ambry Genetics
Classification: Likely benign for Familial thoracic aortic aneurysm and aortic dissection. Last evaluated: 2015-12-02. Review status: criteria provided, single submitter. Criteria: Ambry Variant Classification Scheme 2023. Collection method: clinical testing. Allele origin: germline.